The following is an entry in ClinVar:

ClinVar aggregate classification (germline): Benign (1 of 4 stars; one submission).

Allele frequency attached by ClinVar (database versions not stated): TOPMed 0.12320; 1000 Genomes Project 30x 0.17755; 1000 Genomes Project 0.17831.
gnomAD v4.1: 16,655 of 152,192 alleles (11%); highest among the groups gnomAD compares: East Asian, 34%; 1,297 homozygotes.

Submission:

GeneDx
Classification: Benign. Last evaluated: 2018-06-14. Review status: criteria provided, single submitter. Criteria: GeneDx Variant Classification (06012015). Collection method: clinical testing. Allele origin: germline. Affected: yes.
Comment: This variant is considered likely benign or benign based on one or more of the following criteria: it is a conservative change, it occurs at a poorly conserved position in the protein, it is predicted to be benign by multiple in silico algorithms, and/or has population frequency not consistent with disease.

NM_144736.5(NDUFAF7):c.409-273T>G

Gene: NDUFAF7 (NADH:ubiquinone oxidoreductase complex assembly factor 7; plus strand). Cytogenetic location: 2p22.2.
Variant type: single nucleotide variant.
Coding change: c.409-273T>G on transcript NM_144736.5 (MANE Select); 273 bases into the intron before coding-DNA position 409, T replaced by G.
Molecular consequence: intron variant.
Genome position (GRCh38, 1-based): chr2:37,241,305, T>G. VCF-style: chr2-37241305-T-G. GRCh37 (hg19) VCF-style: chr2-37468448-T-G.
Other names: c.409-273T>G (NM_001350024.2, NM_001350027.2); c.328-273T>G (NM_001350025.2, NM_001083946.2).
Identifiers: ClinVar variation 671097 (VCV000671097.1), dbSNP rs2041838, ClinGen allele CA45473674.